The following is an entry in ClinVar:

NM_170784.3(MKKS):c.1534T>A (p.Phe512Ile)

Gene: MKKS (MKKS centrosomal shuttling protein; minus strand). Cytogenetic location: 20p12.2.
Variant type: single nucleotide variant.
Coding change: c.1534T>A on transcript NM_170784.3 (MANE Select); coding-DNA position 1534, T replaced by A.
Protein change: p.Phe512Ile; replaces phenylalanine 512 with isoleucine.
Molecular consequence: missense variant. On other transcripts: non-coding transcript variant (1).
Genome position (GRCh38, 1-based): chr20:10,405,426, A>T on the plus strand (T>A on the coding strand, the complement: MKKS is on the minus strand). VCF-style: chr20-10405426-A-T. GRCh37 (hg19) VCF-style: chr20-10386074-A-T.
Other names: c.1534T>A, p.Phe512Ile (NM_018848.3); short protein forms F512I.
Identifiers: ClinVar variation 1410840 (VCV001410840.3), dbSNP rs772349046, ClinGen allele CA408230685.

ClinVar aggregate classification (germline): Uncertain significance (1 of 4 stars; one submission).

Conditions:
Bardet-Biedl syndrome (BBS). Identifiers: Orphanet 110, MedGen C0752166, MONDO:0015229.
McKusick-Kaufman syndrome (MKKS). Also called: HYDROMETROCOLPOS SYNDROME; HYDROMETROCOLPOS, POSTAXIAL POLYDACTYLY, AND CONGENITAL HEART MALFORMATION. Identifiers: Orphanet 2473, MedGen C0948368, MONDO:0009367, OMIM 236700.

Allele frequency attached by ClinVar (database versions not stated): gnomAD exomes below 0.00001.
gnomAD v4.1: 5 of 1,614,190 alleles (0.00031%); highest among the groups gnomAD compares: Non-Finnish European, 0.00034%; no homozygotes.

Submission:

Labcorp Genetics (formerly Invitae), Labcorp
Classification: Uncertain significance for McKusick-Kaufman syndrome; Bardet-Biedl syndrome. Last evaluated: 2021-08-12. Review status: criteria provided, single submitter. Criteria: Invitae Variant Classification Sherloc (09022015). Collection method: clinical testing. Allele origin: germline.
Comment: This sequence change replaces phenylalanine with isoleucine at codon 512 of the MKKS protein (p.Phe512Ile). The phenylalanine residue is moderately conserved and there is a small physicochemical difference between phenylalanine and isoleucine. This variant is not present in population databases (ExAC no frequency). This variant has not been reported in the literature in individuals affected with MKKS-related conditions. Algorithms developed to predict the effect of missense changes on protein structure and function (SIFT, PolyPhen-2, Align-GVGD) all suggest that this variant is likely to be tolerated. In summary, the available evidence is currently insufficient to determine the role of this variant in disease. Therefore, it has been classified as a Variant of Uncertain Significance.